The following is an entry in ClinVar:

NM_206933.4(USH2A):c.12875A>C (p.Asn4292Thr)

Gene: USH2A (usherin; minus strand). Cytogenetic location: 1q41.
Variant type: single nucleotide variant.
Coding change: c.12875A>C on transcript NM_206933.4 (MANE Select); coding-DNA position 12875, A replaced by C.
Protein change: p.Asn4292Thr; replaces asparagine 4292 with threonine.
Molecular consequence: missense variant.
Genome position (GRCh38, 1-based): chr1:215,675,036, T>G on the plus strand (A>C on the coding strand, the complement: USH2A is on the minus strand). VCF-style: chr1-215675036-T-G. GRCh37 (hg19) VCF-style: chr1-215848378-T-G.
Other names: short protein forms N4292T.
Identifiers: ClinVar variation 2010375 (VCV002010375.4), dbSNP rs2464898092, ClinGen allele CA344848542.
Genomic context (GRCh38, chr1:215,675,036, plus strand): 5'-TCAAAGCTAAAAGGATAGAGCATTTCATTCCTTTGAAGCCTATAGGACTGGATAATACCA[T>G]TAGACTGTTCTGGTGGGATCCAGGAAATCAGCAGTTTTTGGGGATTCATAGAAACATAGG-3'
Protein context (NP_996816.3, residues 4282-4302): LISWIPPEQS[Asn4292Thr]GIIQSYRLQR

ClinVar aggregate classification (germline): Uncertain significance (1 of 4 stars; one submission).

Submission:

Labcorp Genetics (formerly Invitae), Labcorp
Classification: Uncertain significance. Last evaluated: 2022-06-24. Review status: criteria provided, single submitter. Criteria: Invitae Variant Classification Sherloc (09022015). Collection method: clinical testing. Allele origin: germline.
Comment: This sequence change replaces asparagine, which is neutral and polar, with threonine, which is neutral and polar, at codon 4292 of the USH2A protein (p.Asn4292Thr). This variant is not present in population databases (gnomAD no frequency). This variant has not been reported in the literature in individuals affected with USH2A-related conditions. Algorithms developed to predict the effect of missense changes on protein structure and function (SIFT, PolyPhen-2, Align-GVGD) all suggest that this variant is likely to be disruptive. This variant disrupts the p.Asn4292 amino acid residue in USH2A. Other variant(s) that disrupt this residue have been determined to be pathogenic (PMID: 25133751, 28041643; Invitae). This suggests that this residue is clinically significant, and that variants that disrupt this residue are likely to be disease-causing. In summary, the available evidence is currently insufficient to determine the role of this variant in disease. Therefore, it has been classified as a Variant of Uncertain Significance.

Literature cited by the submitters: PubMed 25133751; PubMed 28041643.